The following is an entry in ClinVar:

ClinVar aggregate classification (germline): Likely benign. Review status: criteria provided, multiple submitters, no conflicts (2 of 4 stars). 4 submissions from 4 submitters: Likely benign (3). 1 of the submissions does not count toward it. Last evaluated 2026-01-12.

Conditions:
CASZ1-related disorder. Also called: CASZ1-related condition.

Allele frequency attached by ClinVar (database versions not stated): 1000 Genomes Project 0.00040; 1000 Genomes Project 30x 0.00062; ESP Exome Variant Server 0.00085; gnomAD 0.00105; TOPMed 0.00126; ExAC 0.00138.
gnomAD v4.1: 1,498 of 1,600,416 alleles (0.094%); highest among the groups gnomAD compares: Middle Eastern, 0.3%; 3 homozygotes.

Submissions (4):

Labcorp Genetics (formerly Invitae), Labcorp
Classification: Likely benign. Last evaluated: 2026-01-12. Review status: criteria provided, single submitter. Criteria: Invitae Variant Classification Sherloc (09022015). Collection method: clinical testing. Allele origin: germline.

CeGaT Center for Human Genetics Tuebingen
Classification: Likely benign. Last evaluated: 2025-08-01. Review status: criteria provided, single submitter. Criteria: CeGaT Center For Human Genetics Tuebingen Variant Classification Criteria Version 2. Collection method: clinical testing. Allele origin: germline. Affected: yes. Observed: 2 variant alleles.
Comment: CASZ1: BP4, BS1

Blueprint Genetics
Classification: Likely benign. Last evaluated: 2024-11-20. Review status: criteria provided, single submitter. Criteria: ACMG Guidelines, 2015. Collection method: clinical testing. Allele origin: germline.

PreventionGenetics, part of Exact Sciences
Classification: Likely benign for CASZ1-related condition. Last evaluated: 2022-04-11. Review status: no assertion criteria provided. Collection method: clinical testing. Allele origin: germline. Not counted in ClinVar's aggregate classification.
Comment: This variant is classified as likely benign based on ACMG/AMP sequence variant interpretation guidelines (Richards et al. 2015 PMID: 25741868, with internal and published modifications).

NM_001079843.3(CASZ1):c.3248C>T (p.Ala1083Val)

Gene: CASZ1 (castor zinc finger 1; minus strand). Cytogenetic location: 1p36.22.
Variant type: single nucleotide variant.
Coding change: c.3248C>T on transcript NM_001079843.3 (MANE Select); coding-DNA position 3248, C replaced by T.
Protein change: p.Ala1083Val; replaces alanine 1083 with valine.
Molecular consequence: missense variant.
Genome position (GRCh38, 1-based): chr1:10,648,050, G>A on the plus strand (C>T on the coding strand, the complement: CASZ1 is on the minus strand). VCF-style: chr1-10648050-G-A. GRCh37 (hg19) VCF-style: chr1-10708107-G-A.
Other names: c.3248C>T (NM_001079843.2); c.3248C>T, p.Ala1083Val (NM_017766.5); short protein forms A1083V.
Identifiers: ClinVar variation 2046564 (VCV002046564.22), dbSNP rs138085050, ClinGen allele CA584559.